The following is an entry in ClinVar:

ClinVar aggregate classification (germline): Uncertain significance (1 of 4 stars; one submission).

Conditions:
Generalized juvenile polyposis/juvenile polyposis coli. Also called: Juvenile polyposis coli. Identifiers: Orphanet 329971, MedGen C1868081, MONDO:0008276.

Submission:

Labcorp Genetics (formerly Invitae), Labcorp
Classification: Uncertain significance for Juvenile polyposis syndrome. Last evaluated: 2015-12-25. Review status: criteria provided, single submitter. Criteria: Invitae Variant Classification Sherloc (09022015). Collection method: clinical testing. Allele origin: germline.
Comment: This variant is a gross duplication of the genomic region encompassing exons 3-5 of the BMPR1A gene. The 3' boundary is likely confined to the intronic region between exons 5 and 6. The 5' end of this event is unknown as it extends beyond the assayed region for this gene and therefore may encompass additional genes. This variant has not been reported in the literature in individuals with a BMPR1A-related disease. In summary, this is a novel duplication with uncertain impact on protein function. It has been classified as a Variant of Uncertain Significance.

NM_004329.2(BMPR1A):c.-152-?_333+?dup

Gene: BMPR1A (bone morphogenetic protein receptor type 1A; plus strand).
Variant type: Duplication.
Coding change: c.-152-?_333+?dup on transcript NM_004329.2.
Other names: c.-152-?_333+?dup (LRG_298t1).
Identifiers: ClinVar variation 254044 (VCV000254044.1).